The following is an entry in ClinVar:

ClinVar aggregate classification (germline): Pathogenic (1 of 4 stars; one submission).

Conditions:
Polycystic liver disease 3 with or without kidney cysts. Identifiers: MedGen C4693472, MONDO:0054743, OMIM 617874.

Submission:

Victorian Clinical Genetics Services, Murdoch Childrens Research Institute
Classification: Pathogenic for Polycystic liver disease 3 with or without kidney cysts. Last evaluated: 2024-10-28. Review status: criteria provided, single submitter. Criteria: ACMG Guidelines, 2015. Collection method: clinical testing. Allele origin: germline. Affected: yes.
Comment: This variant is classified as Pathogenic. Evidence in support of pathogenic classification: Variant is predicted to cause nonsense-mediated decay (NMD) and loss of protein (premature termination codon is located at least 54 nucleotides upstream of the final exon-exon junction); Variant is absent from gnomAD (v2, v3 and v4); Many other NMD-predicted variants comparable to the one identified in this case have very strong previous evidence for pathogenicity (DECIPHER). NMD-predicted variants have been reported in compound heterozygous patients with congenital disorder of glycosylation and heterozygous patients with polycystic liver disease (DECIPHER, ClinVar, PMID: 28375157, PMID: 26066342). Additional information: This variant is non-coding in an alternative transcript. Although this variant in non-coding in several transcripts, it is coding in a majority, including the ClinVar predominant transcript; This variant is heterozygous; This gene is associated with both recessive and dominant disease, where the same variants have been reported to cause both conditions (PMID: 28375157; 26066342); This variant has no previous evidence of pathogenicity; Loss of function is a known mechanism of disease in this gene and is associated with congenital disorder of glycosylation, type Ih (MIM#608104) and polycystic liver disease 3 with or without kidney cysts (MIM#617874); Inheritance information for this variant is not currently available in this individual.

Literature cited by the submitters: PubMed 28375157; PubMed 26066342.

NM_024079.5(ALG8):c.967C>T (p.Gln323Ter)

Gene: ALG8 (ALG8 alpha-1,3-glucosyltransferase; minus strand). Cytogenetic location: 11q14.1.
Variant type: single nucleotide variant.
Coding change: c.967C>T on transcript NM_024079.5 (MANE Select); coding-DNA position 967, C replaced by T.
Protein change: p.Gln323Ter; replaces glutamine 323 with a stop codon.
Molecular consequence: nonsense. On other transcripts: intron variant (7), missense variant (1), non-coding transcript variant (2).
Genome position (GRCh38, 1-based): chr11:78,109,513, G>A on the plus strand (C>T on the coding strand, the complement: ALG8 is on the minus strand). VCF-style: chr11-78109513-G-A. GRCh37 (hg19) VCF-style: chr11-77820559-G-A.
Other names: c.899-2601C>T (NM_001425237.1, NM_001425228.1); c.967C>T, p.Gln323Ter (NM_001007027.3, NM_001425222.1, NM_001425225.1 and 4 more transcripts); c.970C>T, p.Gln324Ter (NM_001425219.1); c.952C>T, p.Gln318Ter (NM_001425220.1); c.926C>T, p.Ala309Val (NM_001425221.1); c.961C>T, p.Gln321Ter (NM_001425223.1); c.1060C>T, p.Gln354Ter (NM_001425224.1); c.814C>T, p.Gln272Ter (NM_001425226.1, NM_001425236.1); and 9 more; short protein forms A309V, Q138*, Q151*, Q235*, Q256*, Q272*, Q318*, Q321*.
Identifiers: ClinVar variation 4531361 (VCV004531361.1).